The following is an entry in ClinVar:

NM_001270508.2(TNFAIP3):c.449A>G (p.Gln150Arg)

Gene: TNFAIP3 (TNF alpha induced protein 3; plus strand). Cytogenetic location: 6q23.3.
Variant type: single nucleotide variant.
Coding change: c.449A>G on transcript NM_001270508.2 (MANE Select); coding-DNA position 449, A replaced by G.
Protein change: p.Gln150Arg; replaces glutamine 150 with arginine.
Molecular consequence: missense variant.
Genome position (GRCh38, 1-based): chr6:137,874,998, A>G. VCF-style: chr6-137874998-A-G. GRCh37 (hg19) VCF-style: chr6-138196135-A-G.
Other names: c.449A>G, p.Gln150Arg (NM_001270507.2, NM_006290.4); c.449A>G (NM_006290.3); short protein forms Q150R.
Identifiers: ClinVar variation 1507091 (VCV001507091.9), dbSNP rs867703039, ClinGen allele CA148259901.

ClinVar aggregate classification (germline): Uncertain significance. Review status: criteria provided, single submitter (1 of 4 stars). 2 submissions from 2 submitters: Uncertain significance (1). 1 of the submissions does not count toward it. Last evaluated 2025-06-15.

Conditions:
TNFAIP3-related disorder. Also called: TNFAIP3-related condition.

Allele frequency attached by ClinVar (database versions not stated): gnomAD 0.00001; gnomAD exomes 0.00001 and 0.00002; TOPMed 0.00002.

Submissions (2):

Labcorp Genetics (formerly Invitae), Labcorp
Classification: Uncertain significance. Last evaluated: 2025-06-15. Review status: criteria provided, single submitter. Criteria: Invitae Variant Classification Sherloc (09022015). Collection method: clinical testing. Allele origin: germline.
Comment: This sequence change replaces glutamine, which is neutral and polar, with arginine, which is basic and polar, at codon 150 of the TNFAIP3 protein (p.Gln150Arg). This variant is present in population databases (no rsID available, gnomAD 0.002%). This variant has not been reported in the literature in individuals affected with TNFAIP3-related conditions. ClinVar contains an entry for this variant (Variation ID: 1507091). Invitae Evidence Modeling of protein sequence and biophysical properties (such as structural, functional, and spatial information, amino acid conservation, physicochemical variation, residue mobility, and thermodynamic stability) indicates that this missense variant is not expected to disrupt TNFAIP3 protein function with a negative predictive value of 80%. In summary, the available evidence is currently insufficient to determine the role of this variant in disease. Therefore, it has been classified as a Variant of Uncertain Significance.

PreventionGenetics, part of Exact Sciences
Classification: Uncertain significance for TNFAIP3-related condition. Last evaluated: 2024-08-08. Review status: no assertion criteria provided. Collection method: clinical testing. Allele origin: germline. Not counted in ClinVar's aggregate classification.
Comment: The TNFAIP3 c.449A>G variant is predicted to result in the amino acid substitution p.Gln150Arg. To our knowledge, this variant has not been reported in the literature. This variant is reported in 0.0023% of alleles in individuals of European (Non-Finnish) descent in gnomAD. At this time, the clinical significance of this variant is uncertain due to the absence of conclusive functional and genetic evidence.